The following is an entry in ClinVar:

NM_000334.4(SCN4A):c.2989G>A (p.Ala997Thr)

Genes: GH-LCR (growth hormone locus control region; plus strand), SCN4A (sodium voltage-gated channel alpha subunit 4; minus strand). Cytogenetic location: 17q23.3.
Variant type: single nucleotide variant.
Coding change: c.2989G>A on transcript NM_000334.4 (MANE Select); coding-DNA position 2989, G replaced by A.
Protein change: p.Ala997Thr; replaces alanine 997 with threonine.
Molecular consequence: missense variant.
Genome position (GRCh38, 1-based): chr17:63,949,393, C>T on the plus strand (G>A on the coding strand, the complement: SCN4A is on the minus strand). VCF-style: chr17-63949393-C-T. GRCh37 (hg19) VCF-style: chr17-62026753-C-T.
Other names: short protein forms A997T.
Identifiers: ClinVar variation 2834221 (VCV002834221.3), dbSNP rs1454058216, ClinGen allele CA400622073.

ClinVar aggregate classification (germline): Uncertain significance (1 of 4 stars; one submission).

Conditions:
Hyperkalemic periodic paralysis. Also called: Familial hyperkalemic periodic paralysis; Gamstorp disease. Identifiers: Orphanet 682, MedGen C0238357, MONDO:0008224, OMIM 170500, HP:0007215.

Submission:

Labcorp Genetics (formerly Invitae), Labcorp
Classification: Uncertain significance for Hyperkalemic periodic paralysis. Last evaluated: 2023-02-03. Review status: criteria provided, single submitter. Criteria: Invitae Variant Classification Sherloc (09022015). Collection method: clinical testing. Allele origin: germline.
Comment: Algorithms developed to predict the effect of missense changes on protein structure and function (SIFT, PolyPhen-2, Align-GVGD) all suggest that this variant is likely to be tolerated. This variant has not been reported in the literature in individuals affected with SCN4A-related conditions. This variant is not present in population databases (gnomAD no frequency). This sequence change replaces alanine, which is neutral and non-polar, with threonine, which is neutral and polar, at codon 997 of the SCN4A protein (p.Ala997Thr). This variant also falls at the last nucleotide of exon 15, which is part of the consensus splice site for this exon. Variants that disrupt the consensus splice site are a relatively common cause of aberrant splicing (PMID: 17576681, 9536098). In summary, the available evidence is currently insufficient to determine the role of this variant in disease. Therefore, it has been classified as a Variant of Uncertain Significance.

Literature cited by the submitters: PubMed 17576681; PubMed 9536098.